The following is an entry in ClinVar:

NM_001931.5(DLAT):c.1351G>A (p.Asp451Asn)

Gene: DLAT (dihydrolipoamide S-acetyltransferase; plus strand). Cytogenetic location: 11q23.1.
Variant type: single nucleotide variant.
Coding change: c.1351G>A on transcript NM_001931.5 (MANE Select); coding-DNA position 1351, G replaced by A.
Protein change: p.Asp451Asn; replaces aspartic acid 451 with asparagine.
Molecular consequence: missense variant. On other transcripts: non-coding transcript variant (1), intron variant (2).
Genome position (GRCh38, 1-based): chr11:112,045,923, G>A. VCF-style: chr11-112045923-G-A. GRCh37 (hg19) VCF-style: chr11-111916647-G-A.
Other names: c.1351G>A, p.Asp451Asn (NM_001372031.1, NM_001372033.1); c.1345G>A, p.Asp449Asn (NM_001372032.1); c.1318G>A, p.Asp440Asn (NM_001372034.1); c.1225G>A, p.Asp409Asn (NM_001372036.1); c.1183G>A, p.Asp395Asn (NM_001372037.1); c.1072G>A, p.Asp358Asn (NM_001372038.1); c.1036G>A, p.Asp346Asn (NM_001372039.1); c.970G>A, p.Asp324Asn (NM_001372040.1); and 3 more; short protein forms D451N, D346N, D395N, D449N, D297N, D358N, D409N, D440N.
Identifiers: ClinVar variation 128898 (VCV000128898.26), dbSNP rs10891314, ClinGen allele CA152576.

ClinVar aggregate classification (germline): Benign/Likely benign. Review status: criteria provided, multiple submitters, no conflicts (2 of 4 stars). 8 submissions from 8 submitters: Benign (4); Likely benign (2). 2 of the submissions do not count toward it. Last evaluated 2026-02-03.

Conditions:
Pyruvate dehydrogenase E2 deficiency (PDHDD). Also called: LACTIC ACIDEMIA DUE TO DEFECT OF E2 LIPOYL TRANSACETYLASE OF THE PYRUVATE DEHYDROGENASE COMPLEX; Dihydrolipoamide Acetyltransferase (E2) Deficiency. Identifiers: Orphanet 765, Orphanet 79244, MedGen C1855565, MONDO:0009502, OMIM 245348.

Allele frequency attached by ClinVar (database versions not stated): ESP Exome Variant Server 0.27994; TOPMed 0.29936; 1000 Genomes Project 30x 0.32136; gnomAD 0.32172; 1000 Genomes Project 0.33407; ExAC 0.36845; gnomAD exomes 0.37480.
gnomAD v4.1: 579,275 of 1,607,196 alleles (36%); highest among the groups gnomAD compares: East Asian, 57%; 108,523 homozygotes.

Submissions (8):

Labcorp Genetics (formerly Invitae), Labcorp
Classification: Benign for Pyruvate dehydrogenase E2 deficiency. Last evaluated: 2026-02-03. Review status: criteria provided, single submitter. Criteria: Invitae Variant Classification Sherloc (09022015). Collection method: clinical testing. Allele origin: germline.

Blueprint Genetics
Classification: Benign. Last evaluated: 2024-11-27. Review status: criteria provided, single submitter. Criteria: ACMG Guidelines, 2015. Collection method: clinical testing. Allele origin: germline.

Women's Health and Genetics/Laboratory Corporation of America, LabCorp
Classification: Likely benign. Last evaluated: 2021-12-03. Review status: criteria provided, single submitter. Criteria: LabCorp Variant Classification Summary - May 2015. Collection method: clinical testing. Allele origin: germline.

Genome-Nilou Lab
Classification: Benign for Pyruvate dehydrogenase E2 deficiency. Last evaluated: 2021-07-30. Review status: criteria provided, single submitter. Criteria: ACMG Guidelines, 2015. Collection method: clinical testing. Allele origin: germline. Affected: no.

GeneDx
Classification: Benign. Last evaluated: 2015-03-03. Review status: criteria provided, single submitter. Criteria: GeneDx Variant Classification Process June 2021. Collection method: clinical testing. Allele origin: germline. Affected: yes.
Comment: This variant is associated with the following publications: (PMID: 30389748)

Breakthrough Genomics
Classification: Likely benign. Review status: criteria provided, single submitter. Criteria: ACMG Guidelines, 2015. Collection method: not provided. Allele origin: germline. Inheritance: Autosomal recessive inheritance. Affected: yes.

Mayo Clinic Laboratories, Mayo Clinic
Classification: Benign. Last evaluated: 2016-02-15. Review status: no assertion criteria provided. Collection method: clinical testing. Allele origin: unknown. Not counted in ClinVar's aggregate classification.

Genetic Services Laboratory, University of Chicago
Classification: Likely benign for AllHighlyPenetrant. Review status: no assertion criteria provided. Collection method: clinical testing. Allele origin: germline. Inheritance: Autosomal recessive inheritance. Not counted in ClinVar's aggregate classification.
Comment: Likely benign based on allele frequency in 1000 Genomes Project or ESP global frequency and its presence in a patient with a rare or unrelated disease phenotype. NOT Sanger confirmed.